The following is an entry in ClinVar:

ClinVar aggregate classification (germline): Uncertain significance (1 of 4 stars; one submission).

Conditions:
Cardiac arrhythmia. Also called: Arrhythmia; Cardiac rhythm disease. Identifiers: MedGen C0003811, MONDO:0007263, HP:0011675.

Submission:

Labcorp Genetics (formerly Invitae), Labcorp
Classification: Uncertain significance for Cardiac arrhythmia. Last evaluated: 2026-02-02. Review status: criteria provided, single submitter. Criteria: Invitae Variant Classification Sherloc (09022015). Collection method: clinical testing. Allele origin: germline.
Comment: This sequence change replaces proline, which is neutral and non-polar, with arginine, which is basic and polar, at codon 147 of the RANGRF protein (p.Pro147Arg). This variant is not present in population databases (gnomAD no frequency). This variant has not been reported in the literature in individuals affected with RANGRF-related conditions. An algorithm developed to predict the effect of missense changes on protein structure and function (PolyPhen-2) suggests that this variant is likely to be tolerated. In summary, the available evidence is currently insufficient to determine the role of this variant in disease. Therefore, it has been classified as a Variant of Uncertain Significance.

NM_016492.5(RANGRF):c.440C>G (p.Pro147Arg)

Genes: RANGRF (RAN guanine nucleotide release factor; plus strand), SLC25A35 (solute carrier family 25 member 35; minus strand). Cytogenetic location: 17p13.1.
Variant type: single nucleotide variant.
Coding change: c.440C>G on transcript NM_016492.5 (MANE Select); coding-DNA position 440, C replaced by G.
Protein change: p.Pro147Arg; replaces proline 147 with arginine.
Molecular consequence: missense variant. On other transcripts: 3 prime UTR variant (2), synonymous variant (1), intron variant (3).
Genome position (GRCh38, 1-based): chr17:8,289,815, C>G. VCF-style: chr17-8289815-C-G. GRCh37 (hg19) VCF-style: chr17-8193133-C-G.
Other names: c.*223C>G (NM_001177801.2); c.*254C>G (NM_001177802.2); c.354C>G, p.Pro118= (NM_001330127.2); c.860+39G>C (NM_001320871.2, NM_201520.3, NM_001320872.2); short protein forms P147R.
Identifiers: ClinVar variation 4736562 (VCV004736562.1).